The following is an entry in ClinVar:

NM_005609.4(PYGM):c.1126A>G (p.Thr376Ala)

Gene: PYGM (glycogen phosphorylase, muscle associated; minus strand). Cytogenetic location: 11q13.1.
Variant type: single nucleotide variant.
Coding change: c.1126A>G on transcript NM_005609.4 (MANE Select); coding-DNA position 1126, A replaced by G.
Protein change: p.Thr376Ala; replaces threonine 376 with alanine.
Molecular consequence: missense variant.
Genome position (GRCh38, 1-based): chr11:64,753,992, T>C on the plus strand (A>G on the coding strand, the complement: PYGM is on the minus strand). VCF-style: chr11-64753992-T-C. GRCh37 (hg19) VCF-style: chr11-64521464-T-C.
Other names: c.1126A>G (NM_005609.2); c.862A>G, p.Thr288Ala (NM_001164716.1); short protein forms T288A, T376A.
Identifiers: ClinVar variation 992146 (VCV000992146.8), dbSNP rs1592411804, ClinGen allele CA381176776.

ClinVar aggregate classification (germline): Uncertain significance. Review status: criteria provided, multiple submitters, no conflicts (2 of 4 stars). 3 submissions from 3 submitters: Uncertain significance (2). 1 of the submissions does not count toward it. Last evaluated 2025-10-21.

Conditions:
Glycogen storage disease, type V (GSD5). Also called: MCARDLE DISEASE; MUSCLE GLYCOGEN PHOSPHORYLASE DEFICIENCY; MYOPHOSPHORYLASE DEFICIENCY; PYGM DEFICIENCY; McArdle type glycogen storage disease. Identifiers: Orphanet 368, MedGen C0017924, MONDO:0009293, OMIM 232600.
Inborn genetic diseases. Identifiers: MedGen C0950123, MeSH D030342.

Allele frequency attached by ClinVar (database versions not stated): gnomAD exomes below 0.00001.
gnomAD v4.1: 1 of 1,606,812 alleles (0.000062%); highest among the groups gnomAD compares: Non-Finnish European, 0.000085%; no homozygotes.

Submissions (3):

Labcorp Genetics (formerly Invitae), Labcorp
Classification: Uncertain significance for Glycogen storage disease, type V. Last evaluated: 2025-10-21. Review status: criteria provided, single submitter. Criteria: Invitae Variant Classification Sherloc (09022015). Collection method: clinical testing. Allele origin: germline.
Comment: This sequence change replaces threonine, which is neutral and polar, with alanine, which is neutral and non-polar, at codon 376 of the PYGM protein (p.Thr376Ala). This variant is not present in population databases (gnomAD no frequency). This variant has not been reported in the literature in individuals affected with PYGM-related conditions. ClinVar contains an entry for this variant (Variation ID: 992146). Invitae Evidence Modeling of protein sequence and biophysical properties (such as structural, functional, and spatial information, amino acid conservation, physicochemical variation, residue mobility, and thermodynamic stability) indicates that this missense variant is expected to disrupt PYGM protein function with a positive predictive value of 95%. In summary, the available evidence is currently insufficient to determine the role of this variant in disease. Therefore, it has been classified as a Variant of Uncertain Significance.

Ambry Genetics
Classification: Uncertain significance for Inborn genetic diseases. Last evaluated: 2024-06-28. Review status: criteria provided, single submitter. Criteria: Ambry Variant Classification Scheme 2023. Collection method: clinical testing. Allele origin: germline.

Natera, Inc.
Classification: Uncertain significance for Glycogen storage disease V. Last evaluated: 2020-04-14. Review status: no assertion criteria provided. Collection method: clinical testing. Allele origin: germline. Not counted in ClinVar's aggregate classification.